The following is an entry in ClinVar:

ClinVar aggregate classification (germline): Conflicting classifications of pathogenicity. Review status: criteria provided, conflicting classifications (1 of 4 stars). 2 submissions from 2 submitters: Uncertain significance (1); Likely benign (1). Last evaluated 2023-03-23.

Conditions:
Hereditary cancer-predisposing syndrome. Also called: Hereditary Cancer Syndrome; Hereditary neoplastic syndrome; Neoplastic Syndromes, Hereditary; Tumor predisposition. Identifiers: Orphanet 140162, MedGen C0027672, MeSH D009386, MONDO:0015356.

Allele frequency attached by ClinVar (database versions not stated): gnomAD exomes below 0.00001.
gnomAD v4.1: 1 of 1,613,862 alleles (0.000062%); highest among the groups gnomAD compares: Non-Finnish European, 0.000085%; no homozygotes.

Submissions (2):

University of Washington Department of Laboratory Medicine, University of Washington
Classification: Likely benign for Hereditary cancer-predisposing syndrome. Last evaluated: 2023-03-23. Review status: criteria provided, single submitter. Criteria: Dines et al. (Genet Med. 2020). Collection method: curation. Allele origin: germline.
Comment: Missense variant in a coldspot region where missense variants are very unlikely to be pathogenic (PMID:31911673).

BRCA1 coldspot (exon 11 using historical exon numbering). Reclassification based on statistical prior probability

Ambry Genetics
Classification: Uncertain significance for Hereditary cancer-predisposing syndrome. Last evaluated: 2015-11-17. Review status: criteria provided, single submitter. Criteria: Ambry Variant Classification Scheme 2023. Collection method: clinical testing. Allele origin: germline.
Comment: The p.H513Y variant (also known as c.1537C>T), located in coding exon 9 of the BRCA1 gene, results from a C to T substitution at nucleotide position 1537. The histidine at codon 513 is replaced by tyrosine, an amino acid with similar properties. This variant was not reported in population based cohorts in the following databases: Database of Single Nucleotide Polymorphisms (dbSNP), NHLBI Exome Sequencing Project (ESP), and 1000 Genomes Project. In the ESP, this variant was not observed in 6503 samples (13006 alleles) with coverage at this position. To date, this alteration has been detected with an allele frequency of approximately 0.0004% (greater than 225000 alleles tested) in our clinical cohort. This amino acid position is not well conserved in available vertebrate species. In addition, the in silico prediction for this alteration is inconclusive. Since supporting evidence is limited at this time, the clinical significance of p.H513Y remains unclear.

NM_007294.4(BRCA1):c.1537C>T (p.His513Tyr)

Gene: BRCA1 (BRCA1 DNA repair associated; minus strand). Cytogenetic location: 17q21.31.
Variant type: single nucleotide variant.
Coding change: c.1537C>T on transcript NM_007294.4 (MANE Select); coding-DNA position 1537, C replaced by T.
Protein change: p.His513Tyr; replaces histidine 513 with tyrosine.
Molecular consequence: missense variant. On other transcripts: intron variant (137).
Genome position (GRCh38, 1-based): chr17:43,093,994, G>A on the plus strand (C>T on the coding strand, the complement: BRCA1 is on the minus strand). VCF-style: chr17-43093994-G-A. GRCh37 (hg19) VCF-style: chr17-41246011-G-A.
Other names: c.1324C>T, p.His442Tyr (NM_001407571.1, NM_001407853.1, NM_001407894.1 and 9 more transcripts); c.1537C>T, p.His513Tyr (NM_001407581.1, NM_001407582.1, NM_001407583.1 and 30 more transcripts); c.1534C>T, p.His512Tyr (NM_001407587.1, NM_001407590.1, NM_001407591.1 and 22 more transcripts); c.1528C>T, p.His510Tyr (NM_001407646.1, NM_001407647.1); c.1414C>T, p.His472Tyr (NM_001407648.1, NM_001407664.1, NM_001407665.1 and 19 more transcripts); c.1411C>T, p.His471Tyr (NM_001407649.1, NM_001407670.1, NM_001407671.1 and 11 more transcripts); c.1459C>T, p.His487Tyr (NM_001407653.1, NM_001407654.1, NM_001407655.1 and 4 more transcripts); c.1456C>T, p.His486Tyr (NM_001407659.1, NM_001407660.1, NM_001407661.1 and 1 more transcripts); and 40 more; short protein forms H345Y, H425Y, H465Y, H487Y, H512Y, H217Y, H385Y, H402Y.
Identifiers: ClinVar variation 1774740 (VCV001774740.4), dbSNP rs2154439034, ClinGen allele CA10598978.